The following is an entry in ClinVar:

ClinVar aggregate classification (germline): Conflicting classifications of pathogenicity. Review status: criteria provided, conflicting classifications (1 of 4 stars). 9 submissions from 9 submitters: Uncertain significance (3); Benign (1); Likely benign (5). Last evaluated 2026-01-07.

Conditions:
Inborn genetic diseases. Identifiers: MedGen C0950123, MeSH D030342.
Myofibrillar myopathy 3 (MFM3). Also called: Muscular dystrophy, proximal, type 1A; Autosomal dominant spheroid body myopathy. Identifiers: Orphanet 266, Orphanet 268129, MedGen C3714934, MONDO:0012215, OMIM 609200.
Heart failure. Identifiers: MedGen C0018801, MONDO:0005252.

Allele frequency attached by ClinVar (database versions not stated): gnomAD exomes 0.00013 and 0.00028; gnomAD 0.00019; TOPMed 0.00022; ESP Exome Variant Server 0.00023; ExAC 0.00024.
gnomAD v4.1: 250 of 1,614,012 alleles (0.015%); highest among the groups gnomAD compares: Non-Finnish European, 0.0028%; no homozygotes.

Submissions (9):

Labcorp Genetics (formerly Invitae), Labcorp
Classification: Benign for Myofibrillar myopathy 3. Last evaluated: 2026-01-07. Review status: criteria provided, single submitter. Criteria: Invitae Variant Classification Sherloc (09022015). Collection method: clinical testing. Allele origin: germline.

Mayo Clinic Laboratories, Mayo Clinic
Classification: Likely benign. Last evaluated: 2025-05-01. Review status: criteria provided, single submitter. Criteria: ACMG Guidelines, 2015. Collection method: clinical testing. Allele origin: germline. Observed: 1 variant allele.
Comment: BS1, BP4_moderate

Women's Health and Genetics/Laboratory Corporation of America, LabCorp
Classification: Likely benign. Last evaluated: 2025-03-17. Review status: criteria provided, single submitter. Criteria: LabCorp Variant Classification Summary - May 2015. Collection method: clinical testing. Allele origin: germline.

Ambry Genetics
Classification: Uncertain significance for Inborn genetic diseases. Last evaluated: 2024-07-16. Review status: criteria provided, single submitter. Criteria: Ambry Variant Classification Scheme 2023. Collection method: clinical testing. Allele origin: germline.

ARUP Laboratories, Molecular Genetics and Genomics, ARUP Laboratories
Classification: Likely benign. Last evaluated: 2020-01-16. Review status: criteria provided, single submitter. Criteria: ARUP Molecular Germline Variant Investigation Process. Collection method: clinical testing. Allele origin: germline.

GeneDx
Classification: Likely benign. Last evaluated: 2019-09-03. Review status: criteria provided, single submitter. Criteria: GeneDx Variant Classification Process June 2021. Collection method: clinical testing. Allele origin: germline. Affected: yes.
Comment: This variant is associated with the following publications: (PMID: 30564623)

Center for Advanced Laboratory Medicine, UC San Diego Health, University of California San Diego
Classification: Likely benign for Heart failure. Last evaluated: 2018-07-03. Review status: criteria provided, single submitter. Criteria: ACMG Guidelines, 2015. Collection method: clinical testing. Allele origin: germline. Affected: yes. Observed: 1 variant allele.

Illumina Laboratory Services, Illumina
Classification: Uncertain significance for Myofibrillar myopathy 3. Last evaluated: 2018-01-13. Review status: criteria provided, single submitter. Criteria: ICSL Variant Classification Criteria 13 December 2019. Collection method: clinical testing. Allele origin: germline.

Eurofins Ntd Llc (ga)
Classification: Uncertain significance. Last evaluated: 2015-08-24. Review status: criteria provided, single submitter. Criteria: EGL Classification Definitions 2015. Collection method: clinical testing. Allele origin: germline. Observed: 2 variant alleles, 2 heterozygotes.

NM_006790.3(MYOT):c.323A>C (p.Asn108Thr)

Genes: PKD2L2-DT (PKD2L2 divergent transcript; minus strand), MYOT (myotilin; plus strand). Cytogenetic location: 5q31.2.
Variant type: single nucleotide variant.
Coding change: c.323A>C on transcript NM_006790.3 (MANE Select); coding-DNA position 323, A replaced by C.
Protein change: p.Asn108Thr; replaces asparagine 108 with threonine.
Molecular consequence: missense variant. On other transcripts: 5 prime UTR variant (1), intron variant (1).
Genome position (GRCh38, 1-based): chr5:137,870,974, A>C. VCF-style: chr5-137870974-A-C. GRCh37 (hg19) VCF-style: chr5-137206663-A-C.
Other names: p.Asn108Thr; c.-23A>C (NM_001300911.2); c.-197+449A>C (NM_001135940.2); short protein forms N108T.
Identifiers: ClinVar variation 281070 (VCV000281070.36), dbSNP rs142416150, ClinGen allele CA3422882.
Genomic context (GRCh38, chr5:137,870,974, plus strand): 5'-CCTATAACCAGTCCCCAGCCAGCTTCCTCAGCTCCATATTACCATCACAGCCTGATTACA[A>C]TAGCAGTAAAATCCCTTCCGCTATGGATTCCAAGTAAGTGAATTTTTATATACCGCATGT-3'
Protein context (NP_006781.1, residues 98-118): SSILPSQPDY[Asn108Thr]SSKIPSAMDS